The following is an entry in ClinVar:

ClinVar aggregate classification (germline): Uncertain significance. Review status: criteria provided, multiple submitters, no conflicts (2 of 4 stars). 2 submissions from 2 submitters: Uncertain significance (2). Last evaluated 2024-01-23.

Conditions:
Autosomal recessive limb-girdle muscular dystrophy type 2E (LGMDR4). Also called: MUSCULAR DYSTROPHY, LIMB-GIRDLE, AUTOSOMAL RECESSIVE 4. Identifiers: Orphanet 119, MedGen C1858593, MONDO:0011423, OMIM 604286. Disease mechanism: Affects gamma-sarcoglycan and also disrupts the integrity of the entire sarcoglycan complex..

Allele frequency attached by ClinVar (database versions not stated): gnomAD exomes below 0.00001; ExAC 0.00002.
gnomAD v4.1: 3 of 1,613,862 alleles (0.00019%); highest among the groups gnomAD compares: Non-Finnish European, 0.00025%; no homozygotes.

Submissions (2):

Blueprint Genetics
Classification: Uncertain significance. Last evaluated: 2024-01-23. Review status: criteria provided, single submitter. Criteria: ACMG Guidelines, 2015. Collection method: clinical testing. Allele origin: germline.

Labcorp Genetics (formerly Invitae), Labcorp
Classification: Uncertain significance for Autosomal recessive limb-girdle muscular dystrophy type 2E. Last evaluated: 2022-06-04. Review status: criteria provided, single submitter. Criteria: Invitae Variant Classification Sherloc (09022015). Collection method: clinical testing. Allele origin: germline.
Comment: This sequence change replaces methionine, which is neutral and non-polar, with valine, which is neutral and non-polar, at codon 22 of the SGCB protein (p.Met22Val). This variant is present in population databases (rs770155249, gnomAD 0.003%). This variant has not been reported in the literature in individuals affected with SGCB-related conditions. Algorithms developed to predict the effect of missense changes on protein structure and function are either unavailable or do not agree on the potential impact of this missense change (SIFT: "Tolerated"; PolyPhen-2: "Possibly Damaging"; Align-GVGD: "Class C0"). Algorithms developed to predict the effect of sequence changes on RNA splicing suggest that this variant may create or strengthen a splice site. In summary, the available evidence is currently insufficient to determine the role of this variant in disease. Therefore, it has been classified as a Variant of Uncertain Significance.

NM_000232.5(SGCB):c.64A>G (p.Met22Val)

Gene: SGCB (sarcoglycan beta; minus strand). Cytogenetic location: 4q12.
Variant type: single nucleotide variant.
Coding change: c.64A>G on transcript NM_000232.5 (MANE Select); coding-DNA position 64, A replaced by G.
Protein change: p.Met22Val; replaces methionine 22 with valine.
Molecular consequence: missense variant.
Genome position (GRCh38, 1-based): chr4:52,033,610, T>C on the plus strand (A>G on the coding strand, the complement: SGCB is on the minus strand). VCF-style: chr4-52033610-T-C. GRCh37 (hg19) VCF-style: chr4-52899776-T-C.
Other names: short protein forms M22V.
Identifiers: ClinVar variation 1933726 (VCV001933726.3), dbSNP rs770155249, ClinGen allele CA2918515.